The following is an entry in ClinVar:

ClinVar aggregate classification (germline): Likely benign (0 of 4 stars; one submission).

Conditions:
SLAIN1-related disorder. Also called: SLAIN1-related condition.

Submission:

PreventionGenetics, part of Exact Sciences
Classification: Likely benign for SLAIN1-related condition. Last evaluated: 2023-05-05. Review status: no assertion criteria provided. Collection method: clinical testing. Allele origin: germline.
Comment: This variant is classified as likely benign based on ACMG/AMP sequence variant interpretation guidelines (Richards et al. 2015 PMID: 25741868, with internal and published modifications).

NM_001242868.2(SLAIN1):c.1500C>G (p.Ala500=)

Gene: SLAIN1 (SLAIN motif family member 1; plus strand). Cytogenetic location: 13q22.3.
Variant type: single nucleotide variant.
Coding change: c.1500C>G on transcript NM_001242868.2 (MANE Select); coding-DNA position 1500, C replaced by G.
Protein change: p.Ala500=; no amino-acid change (alanine 500 retained).
Molecular consequence: synonymous variant.
Genome position (GRCh38, 1-based): chr13:77,760,913, C>G. VCF-style: chr13-77760913-C-G. GRCh37 (hg19) VCF-style: chr13-78335048-C-G.
Other names: c.1008C>G, p.Ala336= (NM_001040153.4); c.303C>G, p.Ala101= (NM_001242869.2, NM_001242870.2); c.642C>G, p.Ala214= (NM_001242871.2); c.1158C>G, p.Ala386= (NM_001366665.1); c.645C>G, p.Ala215= (NM_001366666.1, NM_144595.4); c.1650C>G, p.Ala550= (NM_001411026.1); c.1503C>G, p.Ala501= (NM_001412123.1); c.1653C>G, p.Ala551= (NM_001412125.1).
Identifiers: ClinVar variation 3052462 (VCV003052462.2), dbSNP rs746368619, ClinGen allele CA484492993.